The following is an entry in ClinVar:

NM_138694.4(PKHD1):c.4220T>C (p.Leu1407Pro)

Gene: PKHD1 (PKHD1 ciliary IPT domain containing fibrocystin/polyductin; minus strand). Cytogenetic location: 6p12.2.
Variant type: single nucleotide variant.
Coding change: c.4220T>C on transcript NM_138694.4 (MANE Select); coding-DNA position 4220, T replaced by C.
Protein change: p.Leu1407Pro; replaces leucine 1407 with proline.
Molecular consequence: missense variant.
Genome position (GRCh38, 1-based): chr6:52,025,590, A>G on the plus strand (T>C on the coding strand, the complement: PKHD1 is on the minus strand). VCF-style: chr6-52025590-A-G. GRCh37 (hg19) VCF-style: chr6-51890388-A-G.
Other names: c.4220T>C, p.Leu1407Pro (NM_170724.3); short protein forms L1407P.
Identifiers: ClinVar variation 3010651 (VCV003010651.3), dbSNP rs1464962854, ClinGen allele CA364434851.

ClinVar aggregate classification (germline): Likely pathogenic (1 of 4 stars; one submission).

Conditions:
Autosomal recessive polycystic kidney disease (ARPKD). Also called: AR polycystic kidney disease. Identifiers: Orphanet 731, Orphanet 8378, MedGen C0085548, MeSH D017044, MONDO:0009889.

gnomAD v4.1: 1 of 1,614,186 alleles (0.000062%); highest among the groups gnomAD compares: South Asian, 0.0011%; no homozygotes.

Submission:

Labcorp Genetics (formerly Invitae), Labcorp
Classification: Likely pathogenic for Autosomal recessive polycystic kidney disease. Last evaluated: 2022-11-04. Review status: criteria provided, single submitter. Criteria: Invitae Variant Classification Sherloc (09022015). Collection method: clinical testing. Allele origin: germline.
Comment: In summary, the currently available evidence indicates that the variant is pathogenic, but additional data are needed to prove that conclusively. Therefore, this variant has been classified as Likely Pathogenic. This variant disrupts the p.Leu1407 amino acid residue in PKHD1. Other variant(s) that disrupt this residue have been determined to be pathogenic (PMID: 11919560, 15698423, 23582048). This suggests that this residue is clinically significant, and that variants that disrupt this residue are likely to be disease-causing. Advanced modeling of protein sequence and biophysical properties (such as structural, functional, and spatial information, amino acid conservation, physicochemical variation, residue mobility, and thermodynamic stability) performed at Invitae indicates that this missense variant is expected to disrupt PKHD1 protein function. This variant has not been reported in the literature in individuals affected with PKHD1-related conditions. This variant is present in population databases (no rsID available, gnomAD 0.003%). This sequence change replaces leucine, which is neutral and non-polar, with proline, which is neutral and non-polar, at codon 1407 of the PKHD1 protein (p.Leu1407Pro).

Literature cited by the submitters: PubMed 11919560; PubMed 15698423; PubMed 23582048.